The following is an entry in ClinVar:

NM_000302.4(PLOD1):c.1176C>A (p.Ser392Arg)

Gene: PLOD1 (procollagen-lysine,2-oxoglutarate 5-dioxygenase 1; plus strand). Cytogenetic location: 1p36.22.
Variant type: single nucleotide variant.
Coding change: c.1176C>A on transcript NM_000302.4 (MANE Select); coding-DNA position 1176, C replaced by A.
Protein change: p.Ser392Arg; replaces serine 392 with arginine.
Molecular consequence: missense variant.
Genome position (GRCh38, 1-based): chr1:11,963,610, C>A. VCF-style: chr1-11963610-C-A. GRCh37 (hg19) VCF-style: chr1-12023667-C-A.
Other names: c.1317C>A, p.Ser439Arg (NM_001316320.2); short protein forms S392R, S439R.
Identifiers: ClinVar variation 1740711 (VCV001740711.2), dbSNP rs761878111, ClinGen allele CA338440290.
Genomic context (GRCh38, chr1:11,963,610, plus strand): 5'-CCGCAGCTGCACCTACTACTTCAGCGTGGATGCTGACGTGGCCCTGACCGAGCCCAACAG[C>A]CTGCGGCTGCTGATCCAACAGAACAAGTGAGGCTGCTCCGTCTGCACCCAGCACTGCTCA-3'
Protein context (NP_000293.2, residues 382-402): DADVALTEPN[Ser392Arg]LRLLIQQNKN

ClinVar aggregate classification (germline): Uncertain significance (1 of 4 stars; one submission).

Conditions:
Familial thoracic aortic aneurysm and aortic dissection (TAAD). Also called: Thoracic aortic aneurysms and dissections. Identifiers: Orphanet 91387, MedGen C4707243, MONDO:0019625.

Submission:

Ambry Genetics
Classification: Uncertain significance for Familial thoracic aortic aneurysm and aortic dissection. Last evaluated: 2022-05-27. Review status: criteria provided, single submitter. Criteria: Ambry Variant Classification Scheme 2023. Collection method: clinical testing. Allele origin: germline.
Comment: The p.S392R variant (also known as c.1176C>A), located in coding exon 11 of the PLOD1 gene, results from a C to A substitution at nucleotide position 1176. The serine at codon 392 is replaced by arginine, an amino acid with dissimilar properties. This amino acid position is conserved. In addition, this alteration is predicted to be tolerated by in silico analysis. Since supporting evidence is limited at this time, the clinical significance of this alteration remains unclear.